The following is an entry in ClinVar:

NM_000444.6(PHEX):c.1241del (p.Leu414fs)

Gene: PHEX (phosphate regulating endopeptidase X-linked; plus strand). Cytogenetic location: Xp22.11.
Variant type: Deletion.
Coding change: c.1241del on transcript NM_000444.6 (MANE Select); coding-DNA position 1241, one base deleted (T; older notation c.1241delT).
Protein change: p.Leu414fs; shifts the reading frame from leucine 414.
Molecular consequence: frameshift variant.
Genome position (GRCh38, 1-based): chrX:22,114,525, T deleted. VCF-style (leftmost placement, unchanged base first): chrX-22114524-CT-C. GRCh37 (hg19) VCF-style: chrX-22132642-CT-C.
Other names: c.1241del, p.Leu414fs (NM_001282754.2); short protein forms L414fs.
Identifiers: ClinVar variation 280196 (VCV000280196.4), dbSNP rs886041446, ClinGen allele CA10603644.
Genomic context (GRCh38, chrX:22,114,524, plus strand): 5'-CAGGGGACCACAACTTTGCTGCCTCAATGGGACAAATGTGTAAACTTTATTGAAAGTGCC[CT>C]CCCTTATGTTGTTGGAAAGATGTTTGTAGATGTGTACTTCCAGGAAGATAAGAAGGAAAT-3'

ClinVar aggregate classification (germline): Pathogenic/Likely pathogenic. Review status: criteria provided, multiple submitters, no conflicts (2 of 4 stars). 2 submissions from 2 submitters: Pathogenic (1); Likely pathogenic (1). Last evaluated 2024-01-12.

Conditions:
Familial X-linked hypophosphatemic vitamin D refractory rickets (XLHRD). Also called: Hypophosphatemia, vitamin D-resistant rickets; Vitamin D-resistant rickets, X-linked; X-Linked Hypophosphatemia; Hypophosphatemic Rickets, X-Linked Dominant; HYPOPHOSPHATEMIC VITAMIN D-RESISTANT RICKETS. Identifiers: Orphanet 89936, MedGen C0733682, MONDO:0010619, OMIM 307800.

Submissions (2):

Genomic Medicine Center of Excellence, King Faisal Specialist Hospital and Research Centre
Classification: Likely pathogenic for Familial X-linked hypophosphatemic vitamin D refractory rickets. Last evaluated: 2024-01-12. Review status: criteria provided, single submitter. Criteria: ACMG Guidelines, 2015. Collection method: clinical testing. Allele origin: germline.

GeneDx
Classification: Pathogenic. Last evaluated: 2015-12-10. Review status: criteria provided, single submitter. Criteria: GeneDx Variant Classification (06012015). Collection method: clinical testing. Allele origin: germline. Affected: yes.
Comment: The c.1241delT pathogenic variant in the PHEX gene causes a frameshift starting with codon Leucine 414, changes this amino acid to a Proline residue and creates a premature Stop codon at position 10 of the new reading frame, denoted p.Leu414ProfsX10. This pathogenic variant is predicted to cause loss of normal protein function either through protein truncation or nonsense-mediated mRNA decay. Although this variant has not been previously reported to our knowledge, we interpret it to be pathogenic.